The following is an entry in ClinVar:

NM_001267550.2(TTN):c.103188G>T (p.Trp34396Cys)

Genes: TTN-AS1 (TTN antisense RNA 1; plus strand), TTN (titin; minus strand). Cytogenetic location: 2q31.2.
Variant type: single nucleotide variant.
Coding change: c.103188G>T on transcript NM_001267550.2 (MANE Select); coding-DNA position 103188, G replaced by T.
Protein change: p.Trp34396Cys; replaces tryptophan 34396 with cysteine.
Molecular consequence: missense variant.
Genome position (GRCh38, 1-based): chr2:178,533,427, C>A on the plus strand (G>T on the coding strand, the complement: TTN is on the minus strand). VCF-style: chr2-178533427-C-A. GRCh37 (hg19) VCF-style: chr2-179398154-C-A.
Other names: c.98265G>T, p.Trp32755Cys (NM_001256850.1); c.75993G>T, p.Trp25331Cys (NM_003319.4); c.95484G>T, p.Trp31828Cys (NM_133378.4); c.76368G>T, p.Trp25456Cys (NM_133432.3); c.76569G>T, p.Trp25523Cys (NM_133437.4); short protein forms W25331C, W25456C, W25523C, W31828C, W32755C, W34396C.
Identifiers: ClinVar variation 3756815 (VCV003756815.2).
Genomic context (GRCh38, chr2:178,533,427, plus strand): 5'-CAAGCCTTCATGGATAATTTCAATGTTAGGCCCGAGGGACAGTGGCTGACCATCTTTCTC[C>A]CATTTTAATGTTGGTGGGGGGATGCCAGACACTCTGATCTCAAAGCAGACACTTTGGCCT-3'
Protein context (NP_001254479.2, residues 34386-34406): VSGIPPPTLK[Trp34396Cys]EKDGQPLSLG

ClinVar aggregate classification (germline): Uncertain significance (1 of 4 stars; one submission).

Conditions:
Dilated cardiomyopathy 1G (CMD1G). Identifiers: Orphanet 154, MedGen C1858763, MONDO:0011400, OMIM 604145.
Autosomal recessive limb-girdle muscular dystrophy type 2J (LGMDR10). Also called: Limb-girdle muscular dystrophy, type 2J; MUSCULAR DYSTROPHY, LIMB-GIRDLE, AUTOSOMAL RECESSIVE 10. Identifiers: Orphanet 140922, MedGen C1837342, MONDO:0012127, OMIM 608807.

Submission:

Labcorp Genetics (formerly Invitae), Labcorp
Classification: Uncertain significance for Dilated cardiomyopathy 1G; Autosomal recessive limb-girdle muscular dystrophy type 2J. Last evaluated: 2024-06-13. Review status: criteria provided, single submitter. Criteria: Invitae Variant Classification Sherloc (09022015). Collection method: clinical testing. Allele origin: germline.
Comment: This sequence change replaces tryptophan, which is neutral and slightly polar, with cysteine, which is neutral and slightly polar, at codon 34396 of the TTN protein (p.Trp34396Cys). This variant is not present in population databases (gnomAD no frequency). This variant has not been reported in the literature in individuals affected with TTN-related conditions. Experimental studies and prediction algorithms are not available or were not evaluated, and the functional significance of this variant is currently unknown. This variant is located in the M band of TTN (PMID: 25589632). Non-truncating variants in this region may be relevant for neuromuscular disorders, but have not been definitively shown to cause cardiomyopathy (PMID: 23975875). In summary, the available evidence is currently insufficient to determine the role of this variant in disease. Therefore, it has been classified as a Variant of Uncertain Significance.

Literature cited by the submitters: PubMed 25589632; PubMed 23975875.